The following is an entry in ClinVar:

NM_020911.2(PLXNA4):c.1983G>A (p.Ser661=)

Gene: PLXNA4 (plexin A4; minus strand). Cytogenetic location: 7q32.3.
Variant type: single nucleotide variant.
Coding change: c.1983G>A on transcript NM_020911.2 (MANE Select); coding-DNA position 1983, G replaced by A.
Protein change: p.Ser661=; no amino-acid change (serine 661 retained).
Molecular consequence: synonymous variant.
Genome position (GRCh38, 1-based): chr7:132,223,641, C>T on the plus strand (G>A on the coding strand, the complement: PLXNA4 is on the minus strand). VCF-style: chr7-132223641-C-T. GRCh37 (hg19) VCF-style: chr7-131908400-C-T.
Other names: c.1983G>A, p.Ser661= (NM_001393897.1).
Identifiers: ClinVar variation 4984815 (VCV004984815.1).

ClinVar aggregate classification (germline): Uncertain significance (1 of 4 stars; one submission).

Conditions:
PLXNA4-related disorder. Also called: PLXNA4-related condition.

gnomAD v4.1: 5 of 1,612,218 alleles (0.00031%); highest among the groups gnomAD compares: Admixed American, 0.005%; no homozygotes.

Submission:

PreventionGenetics, part of Exact Sciences
Classification: Uncertain significance for PLXNA4-related condition. Last evaluated: 2025-08-26. Review status: criteria provided, single submitter. Criteria: ACMG Guidelines, 2015. Collection method: clinical testing. Allele origin: germline.
Comment: The PLXNA4 c.1983G>A variant is not predicted to result in an amino acid change (p.=). This variant is predicted to impact splicing based on a computational splicing prediction program; however, the impact of this variant has not been functionally validated (SpliceAI, Jaganathan et al. 2019. PubMed ID: 30661751). To our knowledge, this variant has not been reported in the literature. This variant is reported in 0.0088% of alleles in individuals of Latino descent in gnomAD. At this time, the clinical significance of this variant is uncertain due to the absence of conclusive functional and genetic evidence.